The following is an entry in ClinVar:

NM_032634.4(PIGO):c.879G>A (p.Glu293=)

Gene: PIGO (phosphatidylinositol glycan anchor biosynthesis class O; minus strand). Cytogenetic location: 9p13.3.
Variant type: single nucleotide variant.
Coding change: c.879G>A on transcript NM_032634.4 (MANE Select); coding-DNA position 879, G replaced by A.
Protein change: p.Glu293=; no amino-acid change (glutamic acid 293 retained).
Molecular consequence: synonymous variant.
Genome position (GRCh38, 1-based): chr9:35,093,481, C>T on the plus strand (G>A on the coding strand, the complement: PIGO is on the minus strand). VCF-style: chr9-35093481-C-T. GRCh37 (hg19) VCF-style: chr9-35093478-C-T.
Other names: c.879G>A, p.Glu293= (NM_001201484.2, NM_152850.4).
Identifiers: ClinVar variation 386380 (VCV000386380.9), dbSNP rs753637423, ClinGen allele CA5040803.

ClinVar aggregate classification (germline): Likely benign. Review status: criteria provided, multiple submitters, no conflicts (2 of 4 stars). 2 submissions from 2 submitters: Likely benign (2). Last evaluated 2023-11-27.

Conditions:
Hyperphosphatasia with impaired intellectual development syndrome 2. Also called: GLYCOSYLPHOSPHATIDYLINOSITOL BIOSYNTHESIS DEFECT 6; Hyperphosphatasia with intellectual disability syndrome 2. Identifiers: Orphanet 247262, MedGen C3553637, MONDO:0013882, OMIM 614749.

Allele frequency attached by ClinVar (database versions not stated): gnomAD exomes below 0.00001; ExAC 0.00001.
gnomAD v4.1: 6 of 1,614,178 alleles (0.00037%); highest among the groups gnomAD compares: South Asian, 0.0066%; no homozygotes.

Submissions (2):

Labcorp Genetics (formerly Invitae), Labcorp
Classification: Likely benign for Hyperphosphatasia with impaired intellectual development syndrome 2. Last evaluated: 2023-11-27. Review status: criteria provided, single submitter. Criteria: Invitae Variant Classification Sherloc (09022015). Collection method: clinical testing. Allele origin: germline.

GeneDx
Classification: Likely benign. Last evaluated: 2016-05-24. Review status: criteria provided, single submitter. Criteria: GeneDx Variant Classification (06012015). Collection method: clinical testing. Allele origin: germline. Affected: yes.
Comment: This variant is considered likely benign or benign based on one or more of the following criteria: it is a conservative change, it occurs at a poorly conserved position in the protein, it is predicted to be benign by multiple in silico algorithms, and/or has population frequency not consistent with disease.